The following is an entry in ClinVar:

NM_004260.4(RECQL4):c.3126_3127delinsGC (p.Asp1042Glu)

Gene: RECQL4 (RecQ like helicase 4; minus strand). Cytogenetic location: 8q24.3.
Variant type: Indel.
Coding change: c.3126_3127delinsGC on transcript NM_004260.4 (MANE Select); coding-DNA positions 3126 to 3127, CT replaced by GC.
Protein change: p.Asp1042Glu; replaces aspartic acid 1042 with glutamic acid.
Molecular consequence: missense variant.
Genome position (GRCh38, 1-based): chr8:144,512,253-144,512,254, AG replaced by GC on the plus strand (CT replaced by GC on the coding strand, the reverse complement: RECQL4 is on the minus strand). VCF-style: chr8-144512253-AG-GC. GRCh37 (hg19) VCF-style: chr8-145737636-AG-GC.
Other names: short protein forms D1042E.
Identifiers: ClinVar variation 1021330 (VCV001021330.1), dbSNP rs1827383516, ClinGen allele CA1826365757.

ClinVar aggregate classification (germline): Uncertain significance (1 of 4 stars; one submission).

Conditions:
Baller-Gerold syndrome (BGS). Also called: CRANIOSYNOSTOSIS WITH RADIAL DEFECTS. Identifiers: Orphanet 1225, MedGen C0265308, MONDO:0009039, OMIM 218600.

Submission:

Labcorp Genetics (formerly Invitae), Labcorp
Classification: Uncertain significance for Baller-Gerold syndrome. Last evaluated: 2020-07-29. Review status: criteria provided, single submitter. Criteria: Invitae Variant Classification Sherloc (09022015). Collection method: clinical testing. Allele origin: germline.
Comment: This sequence change replaces aspartic acid with glutamic acid at codon 1042 of the RECQL4 protein (p.Asp1042Glu). The aspartic acid residue is highly conserved and there is a small physicochemical difference between aspartic acid and glutamic acid. This variant is not present in population databases (ExAC no frequency). This variant has not been reported in the literature in individuals with RECQL4-related conditions. Experimental studies and prediction algorithms are not available or were not evaluated, and the functional significance of this variant is currently unknown. In summary, the available evidence is currently insufficient to determine the role of this variant in disease. Therefore, it has been classified as a Variant of Uncertain Significance.